The following is an entry in ClinVar:

NM_020843.4(SCAPER):c.1081C>T (p.Arg361Ter)

Gene: SCAPER (S-phase cyclin A associated protein in the ER; minus strand). Cytogenetic location: 15q24.3.
Variant type: single nucleotide variant.
Coding change: c.1081C>T on transcript NM_020843.4 (MANE Select); coding-DNA position 1081, C replaced by T.
Protein change: p.Arg361Ter; replaces arginine 361 with a stop codon.
Molecular consequence: nonsense. On other transcripts: non-coding transcript variant (1).
Genome position (GRCh38, 1-based): chr15:76,771,909, G>A on the plus strand (C>T on the coding strand, the complement: SCAPER is on the minus strand). VCF-style: chr15-76771909-G-A. GRCh37 (hg19) VCF-style: chr15-77064250-G-A.
Other names: c.343C>T, p.Arg115Ter (NM_001145923.2); c.1081C>T, p.Arg361Ter (NM_001353009.2); c.679C>T, p.Arg227Ter (NM_001353010.2, NM_001353011.2, NM_001353012.2); short protein forms R227*, R361*, R115*.
Identifiers: ClinVar variation 829946 (VCV000829946.3), dbSNP rs777893794, ClinGen allele CA7675019.

ClinVar aggregate classification (germline): Likely pathogenic. Review status: criteria provided, single submitter (1 of 4 stars). 2 submissions from 2 submitters: Likely pathogenic (1). 1 of the submissions does not count toward it. Last evaluated 2023-02-23.

Conditions:
Intellectual developmental disorder and retinitis pigmentosa; IDDRP. Also called: INTELLECTUAL DEVELOPMENTAL DISORDER AND RETINITIS PIGMENTOSA. Identifiers: MedGen C4748658, MONDO:0032594, OMIM 618195.

Allele frequency attached by ClinVar (database versions not stated): gnomAD exomes below 0.00001; TOPMed below 0.00001; ExAC 0.00001.
gnomAD v4.1: 2 of 1,612,278 alleles (0.00012%); highest among the groups gnomAD compares: Non-Finnish European, 0.00017%; no homozygotes.

Submissions (2):

Human Genetics Bochum, Ruhr University Bochum
Classification: Likely pathogenic for Intellectual developmental disorder and retinitis pigmentosa; IDDRP. Last evaluated: 2023-02-23. Review status: criteria provided, single submitter. Criteria: ACMG Guidelines, 2015. Collection method: clinical testing. Allele origin: germline. Affected: yes.
Comment: ACMG criteria used to clasify this variant:PVS1, PM2_SUP

Bioscientia Institut fuer Medizinische Diagnostik GmbH, Sonic Healthcare
Classification: Likely pathogenic for Intellectual developmental disorder and retinitis pigmentosa; IDDRP. Last evaluated: 2019-04-02. Review status: no assertion criteria provided. Collection method: clinical testing. Allele origin: germline. Affected: yes. Not counted in ClinVar's aggregate classification.